The following is an entry in ClinVar:

NM_004006.3(DMD):c.3505A>G (p.Met1169Val)

Gene: DMD (dystrophin; minus strand). Cytogenetic location: Xp21.1.
Variant type: single nucleotide variant.
Coding change: c.3505A>G on transcript NM_004006.3 (MANE Select); coding-DNA position 3505, A replaced by G.
Protein change: p.Met1169Val; replaces methionine 1169 with valine.
Molecular consequence: missense variant.
Genome position (GRCh38, 1-based): chrX:32,454,760, T>C on the plus strand (A>G on the coding strand, the complement: DMD is on the minus strand). VCF-style: chrX-32454760-T-C. GRCh37 (hg19) VCF-style: chrX-32472877-T-C.
Other names: c.3481A>G, p.Met1161Val (NM_000109.4); c.3493A>G, p.Met1165Val (NM_004009.3); c.3136A>G, p.Met1046Val (NM_004010.3); short protein forms M1046V, M1165V, M1161V, M1169V.
Identifiers: ClinVar variation 5035375 (VCV005035375.1).

ClinVar aggregate classification (germline): Uncertain significance (1 of 4 stars; one submission).

Conditions:
Cardiovascular phenotype. Identifiers: MedGen CN230736.

Submission:

Ambry Genetics
Classification: Uncertain significance for Cardiovascular phenotype. Last evaluated: 2026-08-19. Review status: criteria provided, single submitter. Criteria: Ambry Variant Classification Scheme 2023. Collection method: clinical testing. Allele origin: germline.
Comment: The p.M1169V variant (also known as c.3505A>G), located in coding exon 26 of the DMD gene, results from an A to G substitution at nucleotide position 3505. The methionine at codon 1169 is replaced by valine, an amino acid with highly similar properties. This amino acid position is highly conserved in available vertebrate species. In addition, the in silico prediction for this alteration is inconclusive. Based on data from gnomAD, the G allele has an overall frequency of 0.0005% (1/182563) total alleles studied, with no hemizygote(s) observed. The highest observed frequency was 0.0076% (1/13082) of African alleles. Based on the available evidence, the clinical significance of this variant remains unclear.